The following is an entry in ClinVar:

NM_015662.3(IFT172):c.1039G>C (p.Val347Leu)

Gene: IFT172 (intraflagellar transport 172; minus strand). Cytogenetic location: 2p23.3.
Variant type: single nucleotide variant.
Coding change: c.1039G>C on transcript NM_015662.3 (MANE Select); coding-DNA position 1039, G replaced by C.
Protein change: p.Val347Leu; replaces valine 347 with leucine.
Molecular consequence: missense variant.
Genome position (GRCh38, 1-based): chr2:27,478,123, C>G on the plus strand (G>C on the coding strand, the complement: IFT172 is on the minus strand). VCF-style: chr2-27478123-C-G. GRCh37 (hg19) VCF-style: chr2-27700990-C-G.
Other names: c.1039G>C, p.Val347Leu (NM_001410739.1); c.1039G>C (NM_015662.1); short protein forms V347L.
Identifiers: ClinVar variation 1716379 (VCV001716379.6), dbSNP rs773726175, ClinGen allele CA1580785.

ClinVar aggregate classification (germline): Uncertain significance. Review status: criteria provided, multiple submitters, no conflicts (2 of 4 stars). 2 submissions from 2 submitters: Uncertain significance (2). Last evaluated 2025-10-24.

Conditions:
Short-rib thoracic dysplasia 10 with or without polydactyly (SRTD10). Identifiers: Orphanet 474, MedGen C3810175, MONDO:0014284, OMIM 615630.
Retinitis pigmentosa 71 (RP71). Identifiers: Orphanet 791, MedGen C4225342, MONDO:0014618, OMIM 616394.
Inborn genetic diseases. Identifiers: MedGen C0950123, MeSH D030342.

Allele frequency attached by ClinVar (database versions not stated): TOPMed below 0.00001; ExAC 0.00002; gnomAD 0.00002.
gnomAD v4.1: 6 of 1,614,070 alleles (0.00037%); highest among the groups gnomAD compares: African/African-American, 0.0027%; no homozygotes.

Submissions (2):

Ambry Genetics
Classification: Uncertain significance for Inborn genetic diseases. Last evaluated: 2025-10-24. Review status: criteria provided, single submitter. Criteria: Ambry Variant Classification Scheme 2023. Collection method: clinical testing. Allele origin: germline.

Labcorp Genetics (formerly Invitae), Labcorp
Classification: Uncertain significance for Retinitis pigmentosa 71; Short-rib thoracic dysplasia 10 with or without polydactyly. Last evaluated: 2022-08-13. Review status: criteria provided, single submitter. Criteria: Invitae Variant Classification Sherloc (09022015). Collection method: clinical testing. Allele origin: germline.
Comment: This sequence change replaces valine, which is neutral and non-polar, with leucine, which is neutral and non-polar, at codon 347 of the IFT172 protein (p.Val347Leu). The frequency data for this variant in the population databases is considered unreliable, as metrics indicate poor data quality at this position in the gnomAD database. This variant has not been reported in the literature in individuals affected with IFT172-related conditions. Algorithms developed to predict the effect of missense changes on protein structure and function (SIFT, PolyPhen-2, Align-GVGD) all suggest that this variant is likely to be tolerated. In summary, the available evidence is currently insufficient to determine the role of this variant in disease. Therefore, it has been classified as a Variant of Uncertain Significance.